The following is an entry in ClinVar:

NM_002133.3(HMOX1):c.737-3C>T

Gene: HMOX1 (heme oxygenase 1; plus strand). Cytogenetic location: 22q12.3.
Variant type: single nucleotide variant.
Coding change: c.737-3C>T on transcript NM_002133.3 (MANE Select); 3 bases into the intron before coding-DNA position 737, C replaced by T.
Molecular consequence: intron variant.
Genome position (GRCh38, 1-based): chr22:35,393,465, C>T. VCF-style: chr22-35393465-C-T. GRCh37 (hg19) VCF-style: chr22-35789458-C-T.
Identifiers: ClinVar variation 4743236 (VCV004743236.1).

ClinVar aggregate classification (germline): Uncertain significance (1 of 4 stars; one submission).

gnomAD v4.1: 14 of 1,614,060 alleles (0.00087%); no homozygotes.

Submission:

Labcorp Genetics (formerly Invitae), Labcorp
Classification: Uncertain significance. Last evaluated: 2025-09-24. Review status: criteria provided, single submitter. Criteria: Invitae Variant Classification Sherloc (09022015). Collection method: clinical testing. Allele origin: germline.
Comment: This sequence change falls in intron 4 of the HMOX1 gene. It does not directly change the encoded amino acid sequence of the HMOX1 protein. It affects a nucleotide within the consensus splice site. This variant is present in population databases (rs750443833, gnomAD 0.04%). This variant has not been reported in the literature in individuals affected with HMOX1-related conditions. Variants that disrupt the consensus splice site are a relatively common cause of aberrant splicing (PMID: 17576681, 9536098). Algorithms developed to predict the effect of sequence changes on RNA splicing suggest that this variant is not likely to affect RNA splicing. In summary, the available evidence is currently insufficient to determine the role of this variant in disease. Therefore, it has been classified as a Variant of Uncertain Significance.

Literature cited by the submitters: PubMed 17576681; PubMed 9536098.